The following is an entry in ClinVar:

ClinVar aggregate classification (germline): Likely benign. Review status: criteria provided, multiple submitters, no conflicts (2 of 4 stars). 3 submissions from 3 submitters: Likely benign (3). Last evaluated 2025-09-21.

Conditions:
Hereditary sensory neuropathy-deafness-dementia syndrome. Also called: HSN IE; Hereditary Sensory and Autonomic Neuropathy Type 1E (HSAN1E); Hereditary sensory neuropathy type IE; NEUROPATHY, HEREDITARY SENSORY, WITH HEARING LOSS AND DEMENTIA. Identifiers: Orphanet 456318, MedGen C3279885, MONDO:0013584, OMIM 614116.

Allele frequency attached by ClinVar (database versions not stated): gnomAD 0.00002; gnomAD exomes 0.00002; TOPMed 0.00002; ExAC 0.00008; ESP Exome Variant Server 0.00008.
gnomAD v4.1: 69 of 1,595,262 alleles (0.0043%); highest among the groups gnomAD compares: Non-Finnish European, 0.0055%; no homozygotes.

Submissions (3):

Labcorp Genetics (formerly Invitae), Labcorp
Classification: Likely benign for Hereditary sensory neuropathy-deafness-dementia syndrome. Last evaluated: 2025-09-21. Review status: criteria provided, single submitter. Criteria: Invitae Variant Classification Sherloc (09022015). Collection method: clinical testing. Allele origin: germline.

CeGaT Center for Human Genetics Tuebingen
Classification: Likely benign. Last evaluated: 2025-07-01. Review status: criteria provided, single submitter. Criteria: CeGaT Center For Human Genetics Tuebingen Variant Classification Criteria Version 2. Collection method: clinical testing. Allele origin: germline. Affected: yes. Observed: 1 variant allele.
Comment: DNMT1: BP4, BP7

Blueprint Genetics
Classification: Likely benign. Last evaluated: 2021-05-26. Review status: criteria provided, single submitter. Criteria: ACMG Guidelines, 2015. Collection method: clinical testing. Allele origin: germline.

NM_001130823.3(DNMT1):c.4722C>A (p.Gly1574=)

Genes: DNMT1 (DNA methyltransferase 1; minus strand), LOC126862853 (CDK7 strongly-dependent group 2 enhancer GRCh37_chr19:10246117-10247316; plus strand). Cytogenetic location: 19p13.2.
Variant type: single nucleotide variant.
Coding change: c.4722C>A on transcript NM_001130823.3 (MANE Select); coding-DNA position 4722, C replaced by A.
Protein change: p.Gly1574=; no amino-acid change (glycine 1574 retained).
Molecular consequence: synonymous variant.
Genome position (GRCh38, 1-based): chr19:10,135,787, G>T on the plus strand (C>A on the coding strand, the complement: DNMT1 is on the minus strand). VCF-style: chr19-10135787-G-T. GRCh37 (hg19) VCF-style: chr19-10246463-G-T.
Other names: c.4683C>A, p.Gly1561= (NM_001318730.2); c.4359C>A, p.Gly1453= (NM_001318731.2); c.4674C>A, p.Gly1558= (NM_001379.4).
Identifiers: ClinVar variation 746595 (VCV000746595.18), dbSNP rs369472235, ClinGen allele CA9187440.